The following is an entry in ClinVar:

ClinVar aggregate classification (germline): Likely pathogenic (1 of 4 stars; one submission).

Conditions:
Arrhythmogenic right ventricular dysplasia 11. Also called: ARRHYTHMOGENIC RIGHT VENTRICULAR DYSPLASIA, FAMILIAL, 11; Arrhythmogenic Right Ventricular Dysplasia/Cardiomyopathy11; Arrhythmogenic right ventricular dysplasia 11 with mild palmoplantar keratoderma and woolly hair. Identifiers: MedGen C1864850, MONDO:0012506, OMIM 610476.

Submission:

3billion
Classification: Likely pathogenic for Arrhythmogenic right ventricular dysplasia 11. Last evaluated: 2023-10-11. Review status: criteria provided, single submitter. Criteria: ACMG Guidelines, 2015. Collection method: clinical testing. Allele origin: germline. Affected: yes.
Comment: The variant is not observed in the gnomAD v2.1.1 dataset. Predicted Consequence/Location: Frameshift: predicted to result in a loss or disruption of normal protein function through nonsense-mediated decay (NMD) or protein truncation. Multiple pathogenic variants are reported downstream of the variant. Therefore, this variant is classified as Likely pathogenic according to the recommendation of ACMG/AMP guideline.

NM_024422.6(DSC2):c.1584dup (p.Val529fs)

Gene: DSC2 (desmocollin 2; minus strand). Cytogenetic location: 18q12.1.
Variant type: Duplication.
Coding change: c.1584dup on transcript NM_024422.6 (MANE Select); coding-DNA position 1584, one base duplicated (A; older notation c.1584dupA).
Protein change: p.Val529fs; shifts the reading frame from valine 529.
Molecular consequence: frameshift variant.
Genome position (GRCh38, 1-based): chr18:31,079,926, T duplicated on the plus strand (A on the coding strand, the reverse complement: DSC2 is on the minus strand); the first of 3 consecutive T bases (chr18:31,079,926-31,079,928); duplicating any one gives the same sequence. VCF-style (leftmost placement, unchanged base first): chr18-31079925-C-CT. GRCh37 (hg19) VCF-style: chr18-28659891-C-CT.
Other names: c.1155dup, p.Val386fs (NM_001406506.1, NM_001406507.1); c.1584dup, p.Val529fs (NM_004949.5); short protein forms V386fs, V529fs.
Identifiers: ClinVar variation 3775495 (VCV003775495.1).